The following is an entry in ClinVar:

NM_003482.4(KMT2D):c.12745C>T (p.Gln4249Ter)

Gene: KMT2D (lysine methyltransferase 2D; minus strand). Cytogenetic location: 12q13.12.
Variant type: single nucleotide variant.
Coding change: c.12745C>T on transcript NM_003482.4 (MANE Select); coding-DNA position 12745, C replaced by T.
Protein change: p.Gln4249Ter; replaces glutamine 4249 with a stop codon.
Molecular consequence: nonsense.
Genome position (GRCh38, 1-based): chr12:49,031,960, G>A on the plus strand (C>T on the coding strand, the complement: KMT2D is on the minus strand). VCF-style: chr12-49031960-G-A. GRCh37 (hg19) VCF-style: chr12-49425743-G-A.
Other names: short protein forms Q4249*.
Identifiers: ClinVar variation 1943418 (VCV001943418.5), dbSNP rs2498354645, ClinGen allele CA384709505.

ClinVar aggregate classification (germline): Pathogenic (1 of 4 stars; one submission).

Conditions:
Kabuki syndrome. Also called: NIIKAWA-KUROKI SYNDROME; Kabuki make-up syndrome. Identifiers: Orphanet 2322, MedGen C0796004, MONDO:0016512.

Submission:

Labcorp Genetics (formerly Invitae), Labcorp
Classification: Pathogenic for Kabuki syndrome. Last evaluated: 2022-04-12. Review status: criteria provided, single submitter. Criteria: Invitae Variant Classification Sherloc (09022015). Collection method: clinical testing. Allele origin: germline.
Comment: This sequence change creates a premature translational stop signal (p.Gln4249*) in the KMT2D gene. It is expected to result in an absent or disrupted protein product. Loss-of-function variants in KMT2D are known to be pathogenic (PMID: 22126750). This variant is not present in population databases (gnomAD no frequency). This variant has not been reported in the literature in individuals affected with KMT2D-related conditions. For these reasons, this variant has been classified as Pathogenic.

Literature cited by the submitters: PubMed 22126750.